The following is an entry in ClinVar:

ClinVar aggregate classification (germline): Uncertain significance. Review status: criteria provided, multiple submitters, no conflicts (2 of 4 stars). 2 submissions from 2 submitters: Uncertain significance (2). Last evaluated 2025-12-24.

Conditions:
Cardiovascular phenotype. Identifiers: MedGen CN230736.
Long QT syndrome (LQTS). Identifiers: MedGen C0023976, MeSH D008133, MONDO:0002442. Disease mechanism: loss of function. Inheritance: Various modes of inheritance.

Submissions (2):

Labcorp Genetics (formerly Invitae), Labcorp
Classification: Uncertain significance for Long QT syndrome. Last evaluated: 2025-12-24. Review status: criteria provided, single submitter. Criteria: Invitae Variant Classification Sherloc (09022015). Collection method: clinical testing. Allele origin: germline.
Comment: This sequence change replaces asparagine, which is neutral and polar, with lysine, which is basic and polar, at codon 714 of the KCNH2 protein (p.Asn714Lys). This variant is not present in population databases (gnomAD no frequency). This variant has not been reported in the literature in individuals affected with KCNH2-related conditions. ClinVar contains an entry for this variant (Variation ID: 1786600). An algorithm developed to predict the effect of missense changes on protein structure and function (PolyPhen-2) suggests that this variant is likely to be disruptive. In summary, the available evidence is currently insufficient to determine the role of this variant in disease. Therefore, it has been classified as a Variant of Uncertain Significance.

Ambry Genetics
Classification: Uncertain significance for Cardiovascular phenotype. Last evaluated: 2018-12-06. Review status: criteria provided, single submitter. Criteria: Ambry Variant Classification Scheme 2023. Collection method: clinical testing. Allele origin: germline.
Comment: The p.N714K variant (also known as c.2142C>G), located in coding exon 8 of the KCNH2 gene, results from a C to G substitution at nucleotide position 2142. The asparagine at codon 714 is replaced by lysine, an amino acid with similar properties. This amino acid position is highly conserved in available vertebrate species. In addition, the in silico prediction for this alteration is inconclusive. Since supporting evidence is limited at this time, the clinical significance of this alteration remains unclear.

NM_000238.4(KCNH2):c.2142C>G (p.Asn714Lys)

Gene: KCNH2 (potassium voltage-gated channel subfamily H member 2; minus strand). Cytogenetic location: 7q36.1.
Variant type: single nucleotide variant.
Coding change: c.2142C>G on transcript NM_000238.4 (MANE Select); coding-DNA position 2142, C replaced by G.
Protein change: p.Asn714Lys; replaces asparagine 714 with lysine.
Molecular consequence: missense variant.
Genome position (GRCh38, 1-based): chr7:150,950,924, G>C on the plus strand (C>G on the coding strand, the complement: KCNH2 is on the minus strand). VCF-style: chr7-150950924-G-C. GRCh37 (hg19) VCF-style: chr7-150648012-G-C.
Other names: c.1122C>G, p.Asn374Lys (NM_001204798.2, NM_172057.3); c.1854C>G, p.Asn618Lys (NM_001406753.1, NM_001406756.1); c.1965C>G, p.Asn655Lys (NM_001406755.1); c.1842C>G, p.Asn614Lys (NM_001406757.1); c.2142C>G, p.Asn714Lys (NM_172056.3); short protein forms N614K, N655K, N374K, N618K, N714K.
Identifiers: ClinVar variation 1786600 (VCV001786600.3), dbSNP rs552000706, ClinGen allele CA369857302.